The following is an entry in ClinVar:

NM_001290043.2(TAP2):c.52G>T (p.Ala18Ser)

Gene: TAP2 (transporter 2, ATP binding cassette subfamily B member; minus strand). Cytogenetic location: 6p21.32.
Variant type: single nucleotide variant.
Coding change: c.52G>T on transcript NM_001290043.2 (MANE Select); coding-DNA position 52, G replaced by T.
Protein change: p.Ala18Ser; replaces alanine 18 with serine.
Molecular consequence: missense variant.
Genome position (GRCh38, 1-based): chr6:32,838,182, C>A on the plus strand (G>T on the coding strand, the complement: TAP2 is on the minus strand). VCF-style: chr6-32838182-C-A. GRCh37 (hg19) VCF-style: chr6-32805959-C-A.
Other names: c.52G>T, p.Ala18Ser (NM_000544.3, NM_018833.3); short protein forms A18S.
Identifiers: ClinVar variation 954574 (VCV000954574.7), dbSNP rs142474137, ClinGen allele CA3746233.

ClinVar aggregate classification (germline): Uncertain significance (1 of 4 stars; one submission).

Conditions:
MHC class I deficiency. Identifiers: Orphanet 34592, MedGen C6024714, MONDO:0011476.

Allele frequency attached by ClinVar (database versions not stated): ExAC 0.00002; ESP Exome Variant Server 0.00012; gnomAD 0.00001; gnomAD exomes 0.00002 and 0.00001.
gnomAD v4.1: 25 of 1,594,406 alleles (0.0016%); highest among the groups gnomAD compares: Non-Finnish European, 0.0021%; no homozygotes.

Submission:

Labcorp Genetics (formerly Invitae), Labcorp
Classification: Uncertain significance for MHC class I deficiency 1. Last evaluated: 2022-08-15. Review status: criteria provided, single submitter. Criteria: Invitae Variant Classification Sherloc (09022015). Collection method: clinical testing. Allele origin: germline.
Comment: This sequence change replaces alanine, which is neutral and non-polar, with serine, which is neutral and polar, at codon 18 of the TAP2 protein (p.Ala18Ser). In summary, the available evidence is currently insufficient to determine the role of this variant in disease. Therefore, it has been classified as a Variant of Uncertain Significance. Algorithms developed to predict the effect of missense changes on protein structure and function are either unavailable or do not agree on the potential impact of this missense change (SIFT: "Tolerated"; PolyPhen-2: "Not Available"; Align-GVGD: "Class C0"). ClinVar contains an entry for this variant (Variation ID: 954574). This variant has not been reported in the literature in individuals affected with TAP2-related conditions. The frequency data for this variant in the population databases is considered unreliable, as metrics indicate poor data quality at this position in the gnomAD database.